The following is an entry in ClinVar:

ClinVar aggregate classification (germline): Uncertain significance (1 of 4 stars; one submission).

Allele frequency attached by ClinVar (database versions not stated): TOPMed 0.00007; ESP Exome Variant Server 0.00008; gnomAD 0.00009; ExAC 0.00013; gnomAD exomes 0.00013.
gnomAD v4.1: 211 of 1,612,012 alleles (0.013%); highest among the groups gnomAD compares: Non-Finnish European, 0.016%; no homozygotes.

Submission:

Labcorp Genetics (formerly Invitae), Labcorp
Classification: Uncertain significance. Last evaluated: 2025-07-13. Review status: criteria provided, single submitter. Criteria: Invitae Variant Classification Sherloc (09022015). Collection method: clinical testing. Allele origin: germline.
Comment: This sequence change replaces valine, which is neutral and non-polar, with leucine, which is neutral and non-polar, at codon 351 of the FUK protein (p.Val351Leu). This variant is present in population databases (rs371114615, gnomAD 0.09%), and has an allele count higher than expected for a pathogenic variant. This variant has not been reported in the literature in individuals affected with FUK-related conditions. ClinVar contains an entry for this variant (Variation ID: 2048368). An algorithm developed to predict the effect of missense changes on protein structure and function (PolyPhen-2) suggests that this variant is likely to be tolerated. In summary, the available evidence is currently insufficient to determine the role of this variant in disease. Therefore, it has been classified as a Variant of Uncertain Significance.

NM_145059.3(FCSK):c.1051G>T (p.Val351Leu)

Gene: FCSK (fucose kinase; plus strand). Cytogenetic location: 16q22.1.
Variant type: single nucleotide variant.
Coding change: c.1051G>T on transcript NM_145059.3 (MANE Select); coding-DNA position 1051, G replaced by T.
Protein change: p.Val351Leu; replaces valine 351 with leucine.
Molecular consequence: missense variant.
Genome position (GRCh38, 1-based): chr16:70,470,409, G>T. VCF-style: chr16-70470409-G-T. GRCh37 (hg19) VCF-style: chr16-70504312-G-T.
Other names: short protein forms V351L.
Identifiers: ClinVar variation 2048368 (VCV002048368.4), dbSNP rs371114615, ClinGen allele CA8143173.